The following is an entry in ClinVar:

ClinVar aggregate classification (germline): Uncertain significance (0 of 4 stars; one submission).

Allele frequency attached by ClinVar (database versions not stated): TOPMed below 0.00001; gnomAD 0.00001; gnomAD exomes 0.00002 and 0.00004; ExAC 0.00003.
gnomAD v4.1: 28 of 1,614,148 alleles (0.0017%); highest among the groups gnomAD compares: South Asian, 0.027%; no homozygotes.

Submission:

Department of Pathology and Laboratory Medicine, Sinai Health System
Classification: Uncertain significance. Review status: no assertion criteria provided. Collection method: clinical testing. Allele origin: unknown. Affected: yes. Study: The Canadian Open Genetics Repository (COGR).
Comment: The TDGF1 p.H120Q variant was not identified in the literature nor was it identified in ClinVar. The variant was identified in dbSNP (ID: rs757196291) and in control databases in 9 of 251496 chromosomes at a frequency of 0.00003579 (Genome Aggregation Database March 6, 2019, v2.1.1). The p.H120 residue is conserved in mammals and computational analyses (MUT Assesor, PolyPhen-2, SIFT, MutationTaster, Revel, FATHMM, MetaLR, DANN) suggest that the variant may impact the protein; however, this information is not predictive enough to assume pathogenicity. The variant occurs outside of the splicing consensus sequence and in silico or computational prediction software programs (Splice AI exome) do not predict a deleterious effect on splicing. In summary, based on the above information the clinical significance of this variant cannot be determined with certainty at this time. This variant is classified as a variant of uncertain significance.

NM_003212.4(CRIPTO):c.360T>G (p.His120Gln)

Gene: CRIPTO (cripto, EGF-CFC family member; plus strand). Cytogenetic location: 3p21.31.
Variant type: single nucleotide variant.
Coding change: c.360T>G on transcript NM_003212.4 (MANE Select); coding-DNA position 360, T replaced by G.
Protein change: p.His120Gln; replaces histidine 120 with glutamine.
Molecular consequence: missense variant.
Genome position (GRCh38, 1-based): chr3:46,579,972, T>G. VCF-style: chr3-46579972-T-G. GRCh37 (hg19) VCF-style: chr3-46621462-T-G.
Other names: c.312T>G, p.His104Gln (NM_001174136.2); short protein forms H104Q, H120Q.
Identifiers: ClinVar variation 1049592 (VCV001049592.2), dbSNP rs757196291, ClinGen allele CA2356525.
Genomic context (GRCh38, chr3:46,579,972, plus strand): 5'-TTCAGACCCAAGGCTATCGCCTTACCTGTTCATTCTCAGGAACTGTGGGTCTGTGCCCCA[T>G]GACACCTGGCTGCCCAAGAAGTGTTCCCTGTGTAAATGCTGGCACGGTCAGCTCCGCTGC-3'
Protein context (NP_003203.1, residues 110-130): VRKENCGSVP[His120Gln]DTWLPKKCSL